The following is an entry in ClinVar:

ClinVar aggregate classification (germline): Pathogenic (1 of 4 stars; one submission).

Submission:

Labcorp Genetics (formerly Invitae), Labcorp
Classification: Pathogenic. Last evaluated: 2023-12-10. Review status: criteria provided, single submitter. Criteria: Invitae Variant Classification Sherloc (09022015). Collection method: clinical testing. Allele origin: germline.
Comment: This sequence change creates a premature translational stop signal (p.His655Thrfs*77) in the ZNF469 gene. It is expected to result in an absent or disrupted protein product. Loss-of-function variants in ZNF469 are known to be pathogenic (PMID: 23642083, 23680354). This variant is not present in population databases (gnomAD no frequency). This variant has not been reported in the literature in individuals affected with ZNF469-related conditions. For these reasons, this variant has been classified as Pathogenic.

Literature cited by the submitters: PubMed 23642083; PubMed 23680354.

NM_001367624.2(ZNF469):c.1963del (p.His655fs)

Gene: ZNF469 (zinc finger protein 469; plus strand). Cytogenetic location: 16q24.2.
Variant type: Deletion.
Coding change: c.1963del on transcript NM_001367624.2 (MANE Select); coding-DNA position 1963, one base deleted (C; older notation c.1963delC).
Protein change: p.His655fs; shifts the reading frame from histidine 655.
Molecular consequence: frameshift variant.
Genome position (GRCh38, 1-based): chr16:88,429,433, C deleted; the last of 7 consecutive C bases (chr16:88,429,427-88,429,433); deleting any one gives the same sequence. VCF-style (leftmost placement, unchanged base first): chr16-88429426-GC-G. GRCh37 (hg19) VCF-style: chr16-88495834-GC-G.
Other names: short protein forms H655fs.
Identifiers: ClinVar variation 2812308 (VCV002812308.3), dbSNP rs1259194902, ClinGen allele CA497352503.